The following is an entry in ClinVar:

NM_001447.3(FAT2):c.11915G>A (p.Cys3972Tyr)

Genes: FAT2 (FAT atypical cadherin 2; minus strand), SLC36A1 (solute carrier family 36 member 1; plus strand). Cytogenetic location: 5q33.1.
Variant type: single nucleotide variant.
Coding change: c.11915G>A on transcript NM_001447.3 (MANE Select); coding-DNA position 11915, G replaced by A.
Protein change: p.Cys3972Tyr; replaces cysteine 3972 with tyrosine.
Molecular consequence: missense variant.
Genome position (GRCh38, 1-based): chr5:151,510,165, C>T on the plus strand (G>A on the coding strand, the complement: FAT2 is on the minus strand). VCF-style: chr5-151510165-C-T. GRCh37 (hg19) VCF-style: chr5-150889726-C-T.
Other names: short protein forms C3972Y.
Identifiers: ClinVar variation 1049179 (VCV001049179.1), dbSNP rs2127568038, ClinGen allele CA361821009.

ClinVar aggregate classification (germline): Uncertain significance (0 of 4 stars; one submission).

Submission:

Department of Pathology and Laboratory Medicine, Sinai Health System
Classification: Uncertain significance. Review status: no assertion criteria provided. Collection method: clinical testing. Allele origin: unknown. Affected: yes. Study: The Canadian Open Genetics Repository (COGR).
Comment: The FAT2 p.Cys3972Tyr variant was not identified in the literature nor was it identified in dbSNP, ClinVar, Cosmic, LOVD 3.0 or in the following control databases: the 1000 Genomes Project, the NHLBI GO Exome Sequencing Project, the Exome Aggregation Consortium (August 8th 2016), or the Genome Aggregation Database (Feb 27, 2017). The p.Cys3972 residue is conserved across mammals and other organisms, and four out of five computational analyses (PolyPhen-2, SIFT, BLOSUM, MutationTaster) suggest that the variant may impact the protein; however, this information is not predictive enough to assume pathogenicity. The variant occurs outside of the splicing consensus sequence and in silico or computational prediction software programs (SpliceSiteFinder, MaxEntScan, NNSPLICE, GeneSplicer) do not predict a difference in splicing. In summary, based on the above information the clinical significance of this variant cannot be determined with certainty at this time. This variant is classified as a variant of uncertain significance.